The following is an entry in ClinVar:

NM_013339.4(ALG6):c.338G>A (p.Arg113His)

Gene: ALG6 (ALG6 alpha-1,3-glucosyltransferase; plus strand). Cytogenetic location: 1p31.3.
Variant type: single nucleotide variant.
Coding change: c.338G>A on transcript NM_013339.4 (MANE Select); coding-DNA position 338, G replaced by A.
Protein change: p.Arg113His; replaces arginine 113 with histidine.
Molecular consequence: missense variant.
Genome position (GRCh38, 1-based): chr1:63,404,533, G>A. VCF-style: chr1-63404533-G-A. GRCh37 (hg19) VCF-style: chr1-63870204-G-A.
Other names: c.338G>A, p.Arg113His (LRG_1260t1); short protein forms R113H.
Identifiers: ClinVar variation 551854 (VCV000551854.21), dbSNP rs768372697, ClinGen allele CA888136.
Genomic context (GRCh38, chr1:63,404,533, plus strand): 5'-ACTGGATTGCTCTCCATACATCACGTGGATATGAGAGTCAGGCACATAAGCTCTTCATGC[G>A]TACAACAGGTAAAAGAGCAATGGGTAGTGAATATAAAATTTGATTTTTTAAAAATTTTGG-3'
Protein context (NP_037471.2, residues 103-123): YESQAHKLFM[Arg113His]TTVLIADLLI

ClinVar aggregate classification (germline): Conflicting classifications of pathogenicity. Review status: criteria provided, conflicting classifications (1 of 4 stars). 8 submissions from 8 submitters: Pathogenic (1); Likely pathogenic (5); Uncertain significance (1). 1 of the submissions does not count toward it. Last evaluated 2025-12-22.

Conditions:
Inborn genetic diseases. Identifiers: MedGen C0950123, MeSH D030342.
ALG6-congenital disorder of glycosylation 1C (CDG1C). Also called: Congenital disorder of glycosylation, type Ic; CARBOHYDRATE-DEFICIENT GLYCOPROTEIN SYNDROME, TYPE I, WITH DEFICIENT GLYCOSYLATION OF DOLICHOL-LINKED OLIGOSACCHARIDE; CARBOHYDRATE-DEFICIENT GLYCOPROTEIN SYNDROME, TYPE V; Congenital disorder of glycosylation type 1C; CDG Ic. Identifiers: Orphanet 79320, MedGen C2930997, MONDO:0011291, OMIM 603147.

Allele frequency attached by ClinVar (database versions not stated): TOPMed 0.00003; gnomAD 0.00006 and 0.00007.
gnomAD v4.1: 85 of 1,613,080 alleles (0.0053%); highest among the groups gnomAD compares: East Asian, 0.15%; no homozygotes.

Submissions (8):

Labcorp Genetics (formerly Invitae), Labcorp
Classification: Pathogenic for ALG6-congenital disorder of glycosylation 1C. Last evaluated: 2025-12-22. Review status: criteria provided, single submitter. Criteria: Invitae Variant Classification Sherloc (09022015). Collection method: clinical testing. Allele origin: germline.
Comment: This sequence change replaces arginine, which is basic and polar, with histidine, which is basic and polar, at codon 113 of the ALG6 protein (p.Arg113His). This variant is present in population databases (rs768372697, gnomAD 0.02%). This missense change has been observed in individual(s) with congenital disorder of glycosylation type 1c (PMID: 16321363). In at least one individual the data is consistent with being in trans (on the opposite chromosome) from a pathogenic variant. ClinVar contains an entry for this variant (Variation ID: 551854). Invitae Evidence Modeling of protein sequence and biophysical properties (such as structural, functional, and spatial information, amino acid conservation, physicochemical variation, residue mobility, and thermodynamic stability) indicates that this missense variant is expected to disrupt ALG6 protein function with a positive predictive value of 95%. Experimental studies are conflicting or provide insufficient evidence to determine the effect of this variant on ALG6 function (PMID: 16321363). This variant disrupts the p.Arg113 amino acid residue in ALG6. Other variant(s) that disrupt this residue have been determined to be pathogenic (PMID: 31117816). This suggests that this residue is clinically significant, and that variants that disrupt this residue are likely to be disease-causing. For these reasons, this variant has been classified as Pathogenic.

Women's Health and Genetics/Laboratory Corporation of America, LabCorp
Classification: Likely pathogenic for ALG6-congenital disorder of glycosylation 1C. Last evaluated: 2025-08-22. Review status: criteria provided, single submitter. Criteria: LabCorp Variant Classification Summary - May 2015. Collection method: clinical testing. Allele origin: germline.
Comment: Variant summary: ALG6 c.338G>A (p.Arg113His) results in a non-conservative amino acid change in the encoded protein sequence. Algorithms developed to predict the effect of missense changes on protein structure and function all suggest that this variant is likely to be disruptive. The variant allele was found at a frequency of 2e-05 in 250898 control chromosomes (gnomAD). c.338G>A has been observed in at least one compound heterozygous individual affected with Congenital Disorder Of Glycosylation Type 1C (Eklund_2006). To our knowledge, no experimental evidence demonstrating an impact on protein function has been reported. However, a different missense affecting the same amino acid (c.337C>T, p.Arg113Cys) has been reported in affected individuals (PMIDs: 31117816, 39141102), supporting the critical relevance of codon 113 for ALG6 protein function. The following publications have been ascertained in the context of this evaluation (PMID: 27287710, 16321363). ClinVar contains an entry for this variant (Variation ID: 551854). Based on the evidence outlined above, the variant was classified as likely pathogenic.

Natera, Inc.
Classification: Likely pathogenic for Congenital disorder of glycosylation type 1c. Last evaluated: 2025-07-28. Review status: criteria provided, single submitter. Criteria: Natera Variant Classification Schema (03/2026). Collection method: clinical testing. Allele origin: germline.
Comment: The c.338G>A variant in ALG6 is a missense variant predicted to cause substitution of arginine to histidine at amino acid 113. This variant is rare in the general population with a frequency below the threshold expected for the associated phenotype(s). This variant has been observed in one or more individuals affected with the associated recessive disease, as either homozygous or compound heterozygous with a second variant (PMID: 16321363). Functional studies show that this variant may disrupt protein function (PMID: 16321363). Computational prediction algorithms indicate this variant is likely to affect gene or protein function. Given the available evidence, this variant is classified as Likely Pathogenic.

Ambry Genetics
Classification: Uncertain significance for Inborn genetic diseases. Last evaluated: 2025-04-28. Review status: criteria provided, single submitter. Criteria: Ambry Variant Classification Scheme 2023. Collection method: clinical testing. Allele origin: germline.
Comment: The c.338G>A (p.R113H) alteration is located in exon 5 (coding exon 4) of the ALG6 gene. This alteration results from a G to A substitution at nucleotide position 338, causing the arginine (R) at amino acid position 113 to be replaced by a histidine (H). Based on data from gnomAD, this allele has an overall frequency of 0.002% (6/282284) total alleles studied. The highest observed frequency was 0.025% (5/19946) of East Asian alleles. This variant was reported in an individual with features consistent with autosomal recessive ALG6-related congenital disorder of glycosylation type I; however, many of these features could be accounted for by the 1p31.3p32.3del encompassing NFIA, and the relevance of this finding for ALG6 is unclear (Eklund, 2006). Other variant(s) at the same codon, c.337C>T (p.R113C), have been identified in individual(s) with features consistent with ALG6-related congenital disorder of glycosylation type I (van den Boogert, 2019). This amino acid position is highly conserved in available vertebrate species. This alteration is predicted to be deleterious by in silico analysis. Based on insufficient or conflicting evidence, the clinical significance of this alteration remains unclear.

Fulgent Genetics
Classification: Likely pathogenic for ALG6-congenital disorder of glycosylation 1C. Last evaluated: 2024-03-21. Review status: criteria provided, single submitter. Criteria: ACMG Guidelines, 2015. Collection method: clinical testing. Allele origin: germline.

Department of Pathology and Laboratory Medicine, Sinai Health System
Classification: Likely pathogenic for ALG6-congenital disorder of glycosylation 1C. Last evaluated: 2023-09-29. Review status: criteria provided, single submitter. Criteria: ACMG Guidelines, 2015. Collection method: research. Allele origin: germline.

Juno Genomics, Hangzhou Juno Genomics, Inc
Classification: Likely pathogenic for ALG6-congenital disorder of glycosylation 1C. Review status: criteria provided, single submitter. Criteria: ACMG Guidelines, 2015. Collection method: clinical testing. Allele origin: germline. Affected: yes.
Comment: Absent from controls (or at extremely low frequency if recessive) in Genome Aggregation Database, Exome Sequencing Project, 1000 Genomes Project, or Exome Aggregation Consortium.;Novel missense change at an amino acid residue where a different missense change determined to be pathogenic has been seen before.;Multiple lines of computational evidence support a deleterious effect on the gene or gene product (conservation, evolutionary, splicing impact, etc).;For recessive disorders, detected in trans with a pathogenic variant.

Counsyl
Classification: Uncertain significance for ALG6-congenital disorder of glycosylation 1C. Last evaluated: 2017-05-09. Review status: no assertion criteria provided. Collection method: clinical testing. Allele origin: unknown. Not counted in ClinVar's aggregate classification.

Literature cited by the submitters: PubMed 16321363 (cited by 5 submitters); PubMed 31117816 (cited by Labcorp Genetics (formerly Invitae), Labcorp and Ambry Genetics); PubMed 27287710 (cited by Women's Health and Genetics/Laboratory Corporation of America, LabCorp).